The following is an entry in ClinVar:

ClinVar aggregate classification (germline): Conflicting classifications of pathogenicity. Review status: criteria provided, conflicting classifications (1 of 4 stars). 8 submissions from 8 submitters: Likely pathogenic (1); Uncertain significance (2). 5 of the submissions do not count toward it. Last evaluated 2026-07-28.

Conditions:
PIGV-related disorder. Also called: PIGV-related condition; PIGV-related disorders.
Hyperphosphatasia with impaired intellectual development syndrome 1. Also called: Hyperphosphatasia with intellectual disability syndrome 1; MABRY SYNDROME; GLYCOSYLPHOSPHATIDYLINOSITOL BIOSYNTHESIS DEFECT 2. Identifiers: Orphanet 247262, MedGen C4551502, MONDO:0009398, OMIM 239300.

Allele frequency attached by ClinVar (database versions not stated): ExAC 0.00001; gnomAD 0.00001; TOPMed 0.00001; gnomAD exomes 0.00002 and 0.00003; ESP Exome Variant Server 0.00008.

Submissions (8):

GeneDx
Classification: Uncertain significance. Last evaluated: 2026-07-28. Review status: criteria provided, single submitter. Criteria: GeneDx Variant Classification Process June 2021. Collection method: clinical testing. Allele origin: germline.
Comment: Not observed at significant frequency in large population cohorts (gnomAD); In silico analysis suggests that this missense variant does not alter protein structure/function; This variant is associated with the following publications: (PMID: 32627857, 22315194)

Labcorp Genetics (formerly Invitae), Labcorp
Classification: Uncertain significance. Last evaluated: 2025-02-27. Review status: criteria provided, single submitter. Criteria: Invitae Variant Classification Sherloc (09022015). Collection method: clinical testing. Allele origin: germline.
Comment: This sequence change replaces alanine, which is neutral and non-polar, with glutamic acid, which is acidic and polar, at codon 165 of the PIGV protein (p.Ala165Glu). This variant is present in population databases (rs376328153, gnomAD 0.004%). This missense change has been observed in individual(s) with PIGV-related conditions (PMID: 22315194). ClinVar contains an entry for this variant (Variation ID: 135662). Invitae Evidence Modeling of protein sequence and biophysical properties (such as structural, functional, and spatial information, amino acid conservation, physicochemical variation, residue mobility, and thermodynamic stability) has been performed for this missense variant. However, the output from this modeling did not meet the statistical confidence thresholds required to predict the impact of this variant on PIGV protein function. In summary, the available evidence is currently insufficient to determine the role of this variant in disease. Therefore, it has been classified as a Variant of Uncertain Significance.

Rady Children's Institute for Genomic Medicine, Rady Children's Hospital San Diego
Classification: Likely pathogenic for PIGV-related disorders. Review status: criteria provided, single submitter. Criteria: ACMG Guidelines, 2015. Collection method: clinical testing. Allele origin: germline. Affected: yes.
Comment: This variant has been previously reported as a compound heterozygous change in patients with Mabry syndrome (PMID: 21739589, 22315194). It is present in the heterozygous state in the gnomAD population database at a frequency of 0.002% (5/251468) and thus is presumed to be rare. The c.494C>A (p.Ala165Glu) variant is predicted by multiple in silico tools to have a deleterious effect on protein function. Based on the available evidence, the c.494C>A (p.Ala165Glu) variant is classified as Likely Pathogenic.

OMIM
Classification: Pathogenic for HYPERPHOSPHATASIA WITH IMPAIRED INTELLECTUAL DEVELOPMENT SYNDROME 1. Last evaluated: 2012-03-01. Review status: no assertion criteria provided. Collection method: literature only. Allele origin: germline. Not counted in ClinVar's aggregate classification.

Diagnostic Laboratory, Department of Genetics, University Medical Center Groningen
Classification: Likely pathogenic. Review status: no assertion criteria provided. Collection method: clinical testing. Allele origin: germline. Affected: yes. Study: VKGL Data-share Consensus. Not counted in ClinVar's aggregate classification.

Genome Diagnostics Laboratory, University Medical Center Utrecht
Classification: Likely pathogenic. Review status: no assertion criteria provided. Collection method: clinical testing. Allele origin: germline. Affected: yes. Study: VKGL Data-share Consensus. Not counted in ClinVar's aggregate classification.

Joint Genome Diagnostic Labs from Nijmegen and Maastricht, Radboudumc and MUMC+
Classification: Pathogenic. Review status: no assertion criteria provided. Collection method: clinical testing. Allele origin: germline. Affected: yes. Study: VKGL Data-share Consensus. Not counted in ClinVar's aggregate classification.

Laboratory of Diagnostic Genome Analysis, Leiden University Medical Center (LUMC)
Classification: Likely pathogenic. Review status: no assertion criteria provided. Collection method: clinical testing. Allele origin: germline. Affected: yes. Study: VKGL Data-share Consensus. Not counted in ClinVar's aggregate classification.

Literature cited by the submitters: PubMed 22315194 (cited by Labcorp Genetics (formerly Invitae), Labcorp and OMIM).

NM_017837.4(PIGV):c.494C>A (p.Ala165Glu)

Gene: PIGV (phosphatidylinositol glycan anchor biosynthesis class V; plus strand). Cytogenetic location: 1p36.11.
Variant type: single nucleotide variant.
Coding change: c.494C>A on transcript NM_017837.4 (MANE Select); coding-DNA position 494, C replaced by A.
Protein change: p.Ala165Glu; replaces alanine 165 with glutamic acid.
Molecular consequence: missense variant. On other transcripts: non-coding transcript variant (1), intron variant (3).
Genome position (GRCh38, 1-based): chr1:26,794,528, C>A. VCF-style: chr1-26794528-C-A. GRCh37 (hg19) VCF-style: chr1-27121019-C-A.
Other names: c.494C>A, p.Ala165Glu (NM_001202554.2, NM_001374478.1, NM_001374480.1 and 2 more transcripts); c.113C>A, p.Ala38Glu (NM_001374483.1); c.173-306C>A (NM_001374484.1, NM_001374485.1); c.79-3035C>A (NM_001374486.1); short protein forms A165E, A38E.
Identifiers: ClinVar variation 135662 (VCV000135662.16), dbSNP rs376328153, ClinGen allele CA163121.